The following is an entry in ClinVar:

ClinVar aggregate classification (germline): Pathogenic (1 of 4 stars; one submission).

Submission:

Labcorp Genetics (formerly Invitae), Labcorp
Classification: Pathogenic. Last evaluated: 2020-11-15. Review status: criteria provided, single submitter. Criteria: Invitae Variant Classification Sherloc (09022015). Collection method: clinical testing. Allele origin: germline.
Comment: This sequence change creates a premature translational stop signal (p.Glu316Argfs*11) in the FAM161A gene. It is expected to result in an absent or disrupted protein product. Loss-of-function variants in FAM161A are known to be pathogenic (PMID: 20705278, 20705279, 24651477). This variant is not present in population databases (ExAC no frequency). For these reasons, this variant has been classified as Pathogenic. This variant has not been reported in the literature in individuals with FAM161A-related conditions.

Literature cited by the submitters: PubMed 20705278; PubMed 20705279; PubMed 24651477.

NM_001201543.2(FAM161A):c.945dup (p.Glu316fs)

Gene: FAM161A (FAM161 centrosomal protein A; minus strand). Cytogenetic location: 2p15.
Variant type: Duplication.
Coding change: c.945dup on transcript NM_001201543.2 (MANE Select); coding-DNA position 945, one base duplicated (A; older notation c.945dupA).
Protein change: p.Glu316fs; shifts the reading frame from glutamic acid 316.
Molecular consequence: frameshift variant. On other transcripts: non-coding transcript variant (1).
Genome position (GRCh38, 1-based): chr2:61,840,059, T duplicated on the plus strand (A on the coding strand, the reverse complement: FAM161A is on the minus strand); the first of 3 consecutive T bases (chr2:61,840,059-61,840,061); duplicating any one gives the same sequence. VCF-style (leftmost placement, unchanged base first): chr2-61840058-C-CT. GRCh37 (hg19) VCF-style: chr2-62067193-C-CT.
Other names: c.945dup, p.Glu316fs (NM_032180.3); short protein forms E316fs.
Identifiers: ClinVar variation 1365898 (VCV001365898.6), dbSNP rs2105082218, ClinGen allele CA2573135001.